The following is an entry in ClinVar:

ClinVar aggregate classification (germline): Uncertain significance (1 of 4 stars; one submission).

Allele frequency attached by ClinVar (database versions not stated): ExAC 0.00001; gnomAD exomes 0.00002 and 0.00008; ESP Exome Variant Server 0.00008.
gnomAD v4.1: 117 of 1,614,046 alleles (0.0072%); highest among the groups gnomAD compares: Non-Finnish European, 0.0097%; no homozygotes.

Submission:

Labcorp Genetics (formerly Invitae), Labcorp
Classification: Uncertain significance. Last evaluated: 2022-07-27. Review status: criteria provided, single submitter. Criteria: Invitae Variant Classification Sherloc (09022015). Collection method: clinical testing. Allele origin: germline.
Comment: This sequence change affects codon 652 of the CNGB1 mRNA. It is a 'silent' change, meaning that it does not change the encoded amino acid sequence of the CNGB1 protein. It affects a nucleotide within the consensus splice site. This variant is present in population databases (rs372804572, gnomAD 0.003%). This variant has not been reported in the literature in individuals affected with CNGB1-related conditions. ClinVar contains an entry for this variant (Variation ID: 1422912). Algorithms developed to predict the effect of sequence changes on RNA splicing suggest that this variant is not likely to affect RNA splicing. In summary, the available evidence is currently insufficient to determine the role of this variant in disease. Therefore, it has been classified as a Variant of Uncertain Significance.

NM_001297.5(CNGB1):c.1956C>T (p.Thr652=)

Gene: CNGB1 (cyclic nucleotide gated channel subunit beta 1; minus strand). Cytogenetic location: 16q21.
Variant type: single nucleotide variant.
Coding change: c.1956C>T on transcript NM_001297.5 (MANE Select); coding-DNA position 1956, C replaced by T.
Protein change: p.Thr652=; no amino-acid change (threonine 652 retained).
Molecular consequence: synonymous variant.
Genome position (GRCh38, 1-based): chr16:57,919,100, G>A on the plus strand (C>T on the coding strand, the complement: CNGB1 is on the minus strand). VCF-style: chr16-57919100-G-A. GRCh37 (hg19) VCF-style: chr16-57953004-G-A.
Other names: c.1938C>T, p.Thr646= (NM_001286130.2).
Identifiers: ClinVar variation 1422912 (VCV001422912.6), dbSNP rs372804572, ClinGen allele CA8083235.